The following is an entry in ClinVar:

ClinVar aggregate classification (germline): Benign/Likely benign. Review status: criteria provided, multiple submitters, no conflicts (2 of 4 stars). 5 submissions from 5 submitters: Benign (2); Likely benign (2). 1 of the submissions does not count toward it. Last evaluated 2026-01-26.

Conditions:
Retinal dystrophy. Also called: Inherited retinal dystrophy. Identifiers: Orphanet 71862, MedGen C0854723, MeSH D058499, MONDO:0019118, HP:0000556.
Goldmann-Favre syndrome. Identifiers: Orphanet 53540, MedGen C0339541, MONDO:0100289.

Allele frequency attached by ClinVar (database versions not stated): gnomAD 0.00031 and 0.00043; TOPMed 0.00054; ExAC 0.00098; 1000 Genomes Project 30x 0.00297; 1000 Genomes Project 0.00379.

Submissions (5):

Labcorp Genetics (formerly Invitae), Labcorp
Classification: Benign. Last evaluated: 2026-01-26. Review status: criteria provided, single submitter. Criteria: Invitae Variant Classification Sherloc (09022015). Collection method: clinical testing. Allele origin: germline.

Blueprint Genetics
Classification: Likely benign. Last evaluated: 2024-10-28. Review status: criteria provided, single submitter. Criteria: ACMG Guidelines, 2015. Collection method: clinical testing. Allele origin: germline.

CeGaT Center for Human Genetics Tuebingen
Classification: Likely benign. Last evaluated: 2024-03-01. Review status: criteria provided, single submitter. Criteria: CeGaT Center For Human Genetics Tuebingen Variant Classification Criteria Version 2. Collection method: clinical testing. Allele origin: germline. Affected: yes. Observed: 1 variant allele.
Comment: NR2E3: BP4, BP7, BS1

Dept Of Ophthalmology, Nagoya University
Classification: Benign for Retinal dystrophy. Last evaluated: 2023-10-01. Review status: criteria provided, single submitter. Criteria: Submitter's publication. Collection method: research. Allele origin: germline. Affected: yes.

Natera, Inc.
Classification: Benign for Goldmann-Favre syndrome. Last evaluated: 2020-09-16. Review status: no assertion criteria provided. Collection method: clinical testing. Allele origin: germline. Not counted in ClinVar's aggregate classification.

NM_014249.4(NR2E3):c.966C>T (p.Cys322=)

Gene: NR2E3 (nuclear receptor subfamily 2 group E member 3; plus strand). Cytogenetic location: 15q23.
Variant type: single nucleotide variant.
Coding change: c.966C>T on transcript NM_014249.4 (MANE Select); coding-DNA position 966, C replaced by T.
Protein change: p.Cys322=; no amino-acid change (cysteine 322 retained).
Molecular consequence: synonymous variant.
Genome position (GRCh38, 1-based): chr15:71,813,607, C>T. VCF-style: chr15-71813607-C-T. GRCh37 (hg19) VCF-style: chr15-72105948-C-T.
Other names: c.966C>T, p.Cys322= (NM_016346.4).
Identifiers: ClinVar variation 713143 (VCV000713143.35), dbSNP rs148900690, ClinGen allele CA7640443.